The following is an entry in ClinVar:

NM_001042492.3(NF1):c.6061G>A (p.Gly2021Ser)

Gene: NF1 (neurofibromin 1; plus strand). Cytogenetic location: 17q11.2.
Variant type: single nucleotide variant.
Coding change: c.6061G>A on transcript NM_001042492.3 (MANE Select); coding-DNA position 6061, G replaced by A.
Protein change: p.Gly2021Ser; replaces glycine 2021 with serine.
Molecular consequence: missense variant.
Genome position (GRCh38, 1-based): chr17:31,336,387, G>A. VCF-style: chr17-31336387-G-A. GRCh37 (hg19) VCF-style: chr17-29663405-G-A.
Other names: c.5998G>A, p.Gly2000Ser (NM_000267.4); short protein forms G2000S, G2021S.
Identifiers: ClinVar variation 1718060 (VCV001718060.5), dbSNP rs2151553314, ClinGen allele CA399011161.

ClinVar aggregate classification (germline): Uncertain significance (1 of 4 stars; one submission).

Conditions:
Neurofibromatosis, type 1 (NF1). Also called: Peripheral type neurofibromatosis; VON RECKLINGHAUSEN DISEASE; NEUROFIBROMATOSIS, TYPE I, SOMATIC; Neurofibromatosis, type I. Identifiers: Orphanet 636, MedGen C0027831, MONDO:0018975, OMIM 162200. Disease mechanism: loss of function.

Submission:

Labcorp Genetics (formerly Invitae), Labcorp
Classification: Uncertain significance for Neurofibromatosis, type 1. Last evaluated: 2022-08-26. Review status: criteria provided, single submitter. Criteria: Invitae Variant Classification Sherloc (09022015). Collection method: clinical testing. Allele origin: germline.
Comment: This sequence change replaces glycine, which is neutral and non-polar, with serine, which is neutral and polar, at codon 2000 of the NF1 protein (p.Gly2000Ser). This variant is not present in population databases (gnomAD no frequency). This variant has not been reported in the literature in individuals affected with NF1-related conditions. Algorithms developed to predict the effect of missense changes on protein structure and function are either unavailable or do not agree on the potential impact of this missense change (SIFT: "Tolerated"; PolyPhen-2: "Probably Damaging"; Align-GVGD: "Class C0"). In summary, the available evidence is currently insufficient to determine the role of this variant in disease. Therefore, it has been classified as a Variant of Uncertain Significance.